The following is an entry in ClinVar:

NM_004628.5(XPC):c.877C>T (p.Arg293Ter)

Gene: XPC (XPC complex subunit, DNA damage recognition and repair factor; minus strand). Cytogenetic location: 3p25.1.
Variant type: single nucleotide variant.
Coding change: c.877C>T on transcript NM_004628.5 (MANE Select); coding-DNA position 877, C replaced by T.
Protein change: p.Arg293Ter; replaces arginine 293 with a stop codon.
Molecular consequence: nonsense. On other transcripts: non-coding transcript variant (2).
Genome position (GRCh38, 1-based): chr3:14,164,836, G>A on the plus strand (C>T on the coding strand, the complement: XPC is on the minus strand). VCF-style: chr3-14164836-G-A. GRCh37 (hg19) VCF-style: chr3-14206336-G-A.
Other names: c.298C>T, p.Arg100Ter (NM_001354726.2); c.877C>T, p.Arg293Ter (NM_001354727.2, NM_001354730.2); c.859C>T, p.Arg287Ter (NM_001354729.2); short protein forms R293*, R100*, R287*.
Identifiers: ClinVar variation 554485 (VCV000554485.9), dbSNP rs373519125, ClinGen allele CA2267576.

ClinVar aggregate classification (germline): Pathogenic. Review status: criteria provided, multiple submitters, no conflicts (2 of 4 stars). 4 submissions from 4 submitters: Pathogenic (3). 1 of the submissions does not count toward it. Last evaluated 2024-02-20.

Conditions:
Xeroderma pigmentosum, group C (XPC). Also called: Xeroderma pigmentosum, complementation group C; XERODERMA PIGMENTOSUM III; XP, GROUP C; XPC-Related Xeroderma Pigmentosum. Identifiers: Orphanet 910, MedGen C2752147, MONDO:0010211, OMIM 278720.
Xeroderma pigmentosum (XP). Identifiers: Orphanet 910, MedGen C0043346, MONDO:0019600.

Allele frequency attached by ClinVar (database versions not stated): TOPMed 0.00003; gnomAD 0.00004 and 0.00005; ESP Exome Variant Server 0.00008.
gnomAD v4.1: 23 of 1,613,170 alleles (0.0014%); highest among the groups gnomAD compares: African/African-American, 0.008%; no homozygotes.

Submissions (4):

Baylor Genetics
Classification: Pathogenic for Xeroderma pigmentosum, group C. Last evaluated: 2024-02-20. Review status: criteria provided, single submitter. Criteria: ACMG Guidelines, 2015. Collection method: clinical testing. Allele origin: unknown.

Labcorp Genetics (formerly Invitae), Labcorp
Classification: Pathogenic. Last evaluated: 2023-12-18. Review status: criteria provided, single submitter. Criteria: Invitae Variant Classification Sherloc (09022015). Collection method: clinical testing. Allele origin: germline.
Comment: This sequence change creates a premature translational stop signal (p.Arg293*) in the XPC gene. It is expected to result in an absent or disrupted protein product. Loss-of-function variants in XPC are known to be pathogenic (PMID: 23173980, 25256075). This variant is present in population databases (rs373519125, gnomAD 0.02%). This premature translational stop signal has been observed in individual(s) with xeroderma pigmentosum (PMID: 26884178). ClinVar contains an entry for this variant (Variation ID: 554485). For these reasons, this variant has been classified as Pathogenic.

Division of Human Genetics, National Health Laboratory Service/University of the Witwatersrand
Classification: Pathogenic for Xeroderma pigmentosum. Last evaluated: 2023-07-01. Review status: criteria provided, single submitter. Criteria: ACMG Guidelines, 2015. Collection method: research. Allele origin: germline. Affected: yes.

Counsyl
Classification: Pathogenic for Xeroderma pigmentosum, group C. Last evaluated: 2017-10-19. Review status: no assertion criteria provided. Collection method: clinical testing. Allele origin: unknown. Not counted in ClinVar's aggregate classification.

Literature cited by the submitters: PubMed 23173980 (cited by Labcorp Genetics (formerly Invitae), Labcorp); PubMed 25256075 (cited by Labcorp Genetics (formerly Invitae), Labcorp); PubMed 26884178 (cited by Labcorp Genetics (formerly Invitae), Labcorp and Counsyl); PubMed 27607234 (cited by Counsyl).